The following is an entry in ClinVar:

NM_153700.2(STRC):c.4989_4990del (p.Ala1664fs)

Gene: STRC (stereocilin; minus strand). Cytogenetic location: 15q15.3.
Variant type: Deletion.
Coding change: c.4989_4990del on transcript NM_153700.2 (MANE Select); coding-DNA positions 4989 to 4990, 2 bases deleted (AG; older notation c.4989_4990delAG).
Protein change: p.Ala1664fs; shifts the reading frame from alanine 1664.
Molecular consequence: frameshift variant.
Genome position (GRCh38, 1-based): chr15:43,600,537-43,600,538, CT deleted on the plus strand (AG on the coding strand, the reverse complement: STRC is on the minus strand). VCF-style (leftmost placement, unchanged base first): chr15-43600536-GCT-G. GRCh37 (hg19) VCF-style: chr15-43892734-GCT-G.
Other names: short protein forms A1664fs.
Identifiers: ClinVar variation 3342645 (VCV003342645.2).

ClinVar aggregate classification (germline): Pathogenic (1 of 4 stars; one submission).

Submission:

GeneDx
Classification: Pathogenic. Last evaluated: 2026-04-12. Review status: criteria provided, single submitter. Criteria: GeneDx Variant Classification Process June 2021. Collection method: clinical testing. Allele origin: germline.
Comment: Frameshift variant predicted to result in protein truncation or nonsense mediated decay in a gene for which loss of function is a known mechanism of disease; Not observed at significant frequency in large population cohorts (gnomAD); Has not been previously published as pathogenic or benign to our knowledge